The following is an entry in ClinVar:

NM_001077365.2(POMT1):c.*5A>G

Gene: POMT1 (protein O-mannosyltransferase 1; plus strand). Cytogenetic location: 9q34.13.
Variant type: single nucleotide variant.
Coding change: c.*5A>G on transcript NM_001077365.2 (MANE Select); 5 bases downstream of the stop codon, A replaced by G.
Molecular consequence: 3 prime UTR variant. On other transcripts: non-coding transcript variant (10).
Genome position (GRCh38, 1-based): chr9:131,523,111, A>G. VCF-style: chr9-131523111-A-G. GRCh37 (hg19) VCF-style: chr9-134398498-A-G.
Other names: c.*5A>G (NM_001077366.2, NM_001136113.2, NM_001136114.2 and 16 more transcripts).
Identifiers: ClinVar variation 3358734 (VCV003358734.2).

ClinVar aggregate classification (germline): Likely benign. Review status: criteria provided, single submitter (1 of 4 stars). 2 submissions from 2 submitters: Likely benign (1). 1 of the submissions does not count toward it. Last evaluated 2024-07-12.

Conditions:
POMT1-related disorder. Also called: POMT1-related condition; POMT1-related disorders.

gnomAD v4.1: 14 of 1,610,034 alleles (0.00087%); highest among the groups gnomAD compares: East Asian, 0.0022%; no homozygotes.

Submissions (2):

Blueprint Genetics
Classification: Likely benign. Last evaluated: 2024-07-12. Review status: criteria provided, single submitter. Criteria: ACMG Guidelines, 2015. Collection method: clinical testing. Allele origin: germline.

PreventionGenetics, part of Exact Sciences
Classification: Likely benign for POMT1-related condition. Last evaluated: 2024-06-20. Review status: no assertion criteria provided. Collection method: clinical testing. Allele origin: germline. Not counted in ClinVar's aggregate classification.
Comment: This variant is classified as likely benign based on ACMG/AMP sequence variant interpretation guidelines (Richards et al. 2015 PMID: 25741868, with internal and published modifications).